The following is an entry in ClinVar:

ClinVar aggregate classification (germline): Uncertain significance. Review status: criteria provided, multiple submitters, no conflicts (2 of 4 stars). 2 submissions from 2 submitters: Uncertain significance (2). Last evaluated 2025-08-28.

Conditions:
Inborn genetic diseases. Identifiers: MedGen C0950123, MeSH D030342.
Spastic paraplegia. Identifiers: MedGen C0037772, HP:0001258.

Allele frequency attached by ClinVar (database versions not stated): gnomAD below 0.00001 and 0.00001; gnomAD exomes 0.00001 and 0.00003; ExAC 0.00002.
gnomAD v4.1: 21 of 1,613,884 alleles (0.0013%); highest among the groups gnomAD compares: South Asian, 0.022%; no homozygotes.

Submissions (2):

Ambry Genetics
Classification: Uncertain significance for Inborn genetic diseases. Last evaluated: 2025-08-28. Review status: criteria provided, single submitter. Criteria: Ambry Variant Classification Scheme 2023. Collection method: clinical testing. Allele origin: germline.

Labcorp Genetics (formerly Invitae), Labcorp
Classification: Uncertain significance for Spastic paraplegia. Last evaluated: 2021-08-27. Review status: criteria provided, single submitter. Criteria: Invitae Variant Classification Sherloc (09022015). Collection method: clinical testing. Allele origin: germline.
Comment: This sequence change replaces glutamine with histidine at codon 993 of the AP4E1 protein (p.Gln993His). The glutamine residue is moderately conserved and there is a small physicochemical difference between glutamine and histidine. This variant is present in population databases (rs764568243, ExAC 0.02%). This variant has not been reported in the literature in individuals affected with AP4E1-related conditions. Algorithms developed to predict the effect of missense changes on protein structure and function output the following: SIFT: "Deleterious"; PolyPhen-2: "Benign"; Align-GVGD: "Class C0". The histidine amino acid residue is found in multiple mammalian species, which suggests that this missense change does not adversely affect protein function. In summary, the available evidence is currently insufficient to determine the role of this variant in disease. Therefore, it has been classified as a Variant of Uncertain Significance.

NM_007347.5(AP4E1):c.2979G>C (p.Gln993His)

Gene: AP4E1 (adaptor related protein complex 4 subunit epsilon 1; plus strand). Cytogenetic location: 15q21.2.
Variant type: single nucleotide variant.
Coding change: c.2979G>C on transcript NM_007347.5 (MANE Select); coding-DNA position 2979, G replaced by C.
Protein change: p.Gln993His; replaces glutamine 993 with histidine.
Molecular consequence: missense variant.
Genome position (GRCh38, 1-based): chr15:50,999,146, G>C. VCF-style: chr15-50999146-G-C. GRCh37 (hg19) VCF-style: chr15-51291343-G-C.
Other names: c.2754G>C, p.Gln918His (NM_001252127.2); c.2979G>C (NM_007347.3); short protein forms Q993H, Q918H.
Identifiers: ClinVar variation 410725 (VCV000410725.7), dbSNP rs764568243, ClinGen allele CA7559421.